The following is an entry in ClinVar:

NM_178821.3(DAW1):c.151G>A (p.Ala51Thr)

Gene: DAW1 (dynein assembly factor with WD repeats 1; plus strand). Cytogenetic location: 2q36.3.
Variant type: single nucleotide variant.
Coding change: c.151G>A on transcript NM_178821.3 (MANE Select); coding-DNA position 151, G replaced by A.
Protein change: p.Ala51Thr; replaces alanine 51 with threonine.
Molecular consequence: missense variant. On other transcripts: non-coding transcript variant (1).
Genome position (GRCh38, 1-based): chr2:227,889,893, G>A. VCF-style: chr2-227889893-G-A. GRCh37 (hg19) VCF-style: chr2-228754609-G-A.
Other names: c.106G>A, p.Ala36Thr (NM_001330004.2); short protein forms A36T, A51T.
Identifiers: ClinVar variation 3037571 (VCV003037571.2), dbSNP rs149371081, ClinGen allele CA2149629.

ClinVar aggregate classification (germline): Likely benign (0 of 4 stars; one submission).

Conditions:
DAW1-related disorder. Also called: DAW1-related condition.

Allele frequency attached by ClinVar (database versions not stated): gnomAD exomes 0.00010; ExAC 0.00033; 1000 Genomes Project 30x 0.00078; 1000 Genomes Project 0.00080; ESP Exome Variant Server 0.00100; gnomAD 0.00109; TOPMed 0.00134.
gnomAD v4.1: 313 of 1,607,878 alleles (0.019%); highest among the groups gnomAD compares: African/African-American, 0.38%; no homozygotes.

Submission:

PreventionGenetics, part of Exact Sciences
Classification: Likely benign for DAW1-related condition. Last evaluated: 2022-02-24. Review status: no assertion criteria provided. Collection method: clinical testing. Allele origin: germline.
Comment: This variant is classified as likely benign based on ACMG/AMP sequence variant interpretation guidelines (Richards et al. 2015 PMID: 25741868, with internal and published modifications).